The following is an entry in ClinVar:

NM_001199397.3(NEK1):c.2224C>T (p.Arg742Cys)

Gene: NEK1 (NIMA related kinase 1; minus strand). Cytogenetic location: 4q33.
Variant type: single nucleotide variant.
Coding change: c.2224C>T on transcript NM_001199397.3 (MANE Select); coding-DNA position 2224, C replaced by T.
Protein change: p.Arg742Cys; replaces arginine 742 with cysteine.
Molecular consequence: missense variant. On other transcripts: non-coding transcript variant (1).
Genome position (GRCh38, 1-based): chr4:169,477,334, G>A on the plus strand (C>T on the coding strand, the complement: NEK1 is on the minus strand). VCF-style: chr4-169477334-G-A. GRCh37 (hg19) VCF-style: chr4-170398485-G-A.
Other names: c.2140C>T (NM_012224.2); c.2092C>T, p.Arg698Cys (NM_001199398.3); c.1933C>T, p.Arg645Cys (NM_001199399.3); c.2008C>T, p.Arg670Cys (NM_001199400.3); c.2224C>T, p.Arg742Cys (NM_001374418.1); c.2140C>T, p.Arg714Cys (NM_001374419.1, NM_012224.4); c.2089C>T, p.Arg697Cys (NM_001374420.1); c.1918C>T, p.Arg640Cys (NM_001374421.1); short protein forms R697C, R698C, R714C, R640C, R645C, R742C, R670C.
Identifiers: ClinVar variation 1034726 (VCV001034726.9), dbSNP rs201200462, ClinGen allele CA3137457.

ClinVar aggregate classification (germline): Uncertain significance. Review status: criteria provided, multiple submitters, no conflicts (2 of 4 stars). 2 submissions from 2 submitters: Uncertain significance (2). Last evaluated 2026-09-25.

Conditions:
NEK1-related disorder. Also called: NEK1-related condition.
Short-rib thoracic dysplasia 6 with or without polydactyly (SRTD6). Also called: SHORT-RIB THORACIC DYSPLASIA 6 WITH POLYDACTYLY; SHORT-RIB THORACIC DYSPLASIA 6 WITHOUT POLYDACTYLY; SHORT RIB-POLYDACTYLY SYNDROME, TYPE IIA; Majewski Syndrome; POLYDACTYLY WITH NEONATAL CHONDRODYSTROPHY, TYPE II. Identifiers: MedGen C0024507, MONDO:0009894, OMIM 263520.

Allele frequency attached by ClinVar (database versions not stated): TOPMed 0.00007; gnomAD exomes 0.00010 and 0.00021; gnomAD 0.00011 and 0.00012; ExAC 0.00015; ESP Exome Variant Server 0.00034.
gnomAD v4.1: 304 of 1,573,458 alleles (0.019%); highest among the groups gnomAD compares: Non-Finnish European, 0.026%; no homozygotes.

Submissions (2):

PreventionGenetics, part of Exact Sciences
Classification: Uncertain significance for NEK1-related condition. Last evaluated: 2026-09-25. Review status: criteria provided, single submitter. Criteria: ACMG Guidelines, 2015. Collection method: clinical testing. Allele origin: germline.
Comment: The NEK1 c.2140C>T variant is predicted to result in the amino acid substitution p.Arg714Cys. To our knowledge, this variant has not been reported in the literature. This variant is reported in 0.025% of alleles in individuals of European (non-Finnish) descent in gnomAD. At this time, the clinical significance of this variant is uncertain due to the absence of conclusive functional and genetic evidence.

Labcorp Genetics (formerly Invitae), Labcorp
Classification: Uncertain significance for Short-rib thoracic dysplasia 6 with or without polydactyly. Last evaluated: 2025-09-02. Review status: criteria provided, single submitter. Criteria: Invitae Variant Classification Sherloc (09022015). Collection method: clinical testing. Allele origin: germline.
Comment: This sequence change replaces arginine, which is basic and polar, with cysteine, which is neutral and slightly polar, at codon 714 of the NEK1 protein (p.Arg714Cys). This variant is present in population databases (rs201200462, gnomAD 0.02%). This variant has not been reported in the literature in individuals affected with NEK1-related conditions. ClinVar contains an entry for this variant (Variation ID: 1034726). Invitae Evidence Modeling of protein sequence and biophysical properties (such as structural, functional, and spatial information, amino acid conservation, physicochemical variation, residue mobility, and thermodynamic stability) indicates that this missense variant is expected to disrupt NEK1 protein function with a positive predictive value of 80%. Algorithms developed to predict the effect of sequence changes on RNA splicing suggest that this variant may disrupt the consensus splice site. In summary, the available evidence is currently insufficient to determine the role of this variant in disease. Therefore, it has been classified as a Variant of Uncertain Significance.